The following is an entry in ClinVar:

ClinVar aggregate classification (germline): Uncertain significance (1 of 4 stars; one submission).

Conditions:
CSDE1-related disorder. Also called: CSDE1-related condition.

Allele frequency attached by ClinVar (database versions not stated): TOPMed below 0.00001; gnomAD 0.00001.
gnomAD v4.1: 3 of 1,613,972 alleles (0.00019%); highest among the groups gnomAD compares: African/African-American, 0.0013%; no homozygotes.

Submission:

PreventionGenetics, part of Exact Sciences
Classification: Uncertain significance for CSDE1-related condition. Last evaluated: 2023-08-02. Review status: criteria provided, single submitter. Criteria: ACMG Guidelines, 2015. Collection method: clinical testing. Allele origin: germline.
Comment: The CSDE1 c.2366G>A variant is predicted to result in the amino acid substitution p.Arg789His. To our knowledge, this variant has not been reported in the literature. This variant is reported in 0.0062% of alleles in individuals of African descent in gnomAD. At this time, the clinical significance of this variant is uncertain due to the absence of conclusive functional and genetic evidence.

NM_001007553.3(CSDE1):c.2321G>A (p.Arg774His)

Gene: CSDE1 (cold shock domain containing E1; minus strand). Cytogenetic location: 1p13.2.
Variant type: single nucleotide variant.
Coding change: c.2321G>A on transcript NM_001007553.3 (MANE Select); coding-DNA position 2321, G replaced by A.
Protein change: p.Arg774His; replaces arginine 774 with histidine.
Molecular consequence: missense variant.
Genome position (GRCh38, 1-based): chr1:114,718,641, C>T on the plus strand (G>A on the coding strand, the complement: CSDE1 is on the minus strand). VCF-style: chr1-114718641-C-T. GRCh37 (hg19) VCF-style: chr1-115261262-C-T.
Other names: c.2366G>A, p.Arg789His (NM_001130523.3); c.2459G>A, p.Arg820His (NM_001242891.2); c.2321G>A, p.Arg774His (NM_001242892.2); c.2228G>A, p.Arg743His (NM_001242893.2, NM_007158.6); short protein forms R743H, R774H, R789H, R820H.
Identifiers: ClinVar variation 2631456 (VCV002631456.1), dbSNP rs1375202283, ClinGen allele CA341744919.